The following is an entry in ClinVar:

ClinVar aggregate classification (germline): Pathogenic (1 of 4 stars; one submission).

Submission:

Labcorp Genetics (formerly Invitae), Labcorp
Classification: Pathogenic. Last evaluated: 2020-12-06. Review status: criteria provided, single submitter. Criteria: Invitae Variant Classification Sherloc (09022015). Collection method: clinical testing. Allele origin: germline.
Comment: For these reasons, this variant has been classified as Pathogenic. This variant has not been reported in the literature in individuals with ATP6V1B1-related conditions. This variant is not present in population databases (ExAC no frequency). This sequence change creates a premature translational stop signal (p.Cys201Trpfs*4) in the ATP6V1B1 gene. It is expected to result in an absent or disrupted protein product. Loss-of-function variants in ATP6V1B1 are known to be pathogenic (PMID: 9916796, 18368028).

Literature cited by the submitters: PubMed 9916796; PubMed 18368028.

NM_001692.4(ATP6V1B1):c.603_612del (p.Cys201fs)

Gene: ATP6V1B1 (ATPase H+ transporting V1 subunit B1; plus strand). Cytogenetic location: 2p13.3.
Variant type: Deletion.
Coding change: c.603_612del on transcript NM_001692.4 (MANE Select); coding-DNA positions 603 to 612, 10 bases deleted (CCGCCAGGCG; older notation c.603_612delCCGCCAGGCG).
Protein change: p.Cys201fs; shifts the reading frame from cysteine 201.
Molecular consequence: frameshift variant.
Genome position (GRCh38, 1-based): chr2:70,960,938-70,960,947, CCGCCAGGCG deleted; deleting any 10 consecutive bases within chr2:70,960,937-70,960,947 gives the same sequence; the c. name uses the placement nearest the transcript's 3' end. VCF-style (leftmost placement, unchanged base first): chr2-70960936-TGCCGCCAGGC-T. GRCh37 (hg19) VCF-style: chr2-71188066-TGCCGCCAGGC-T.
Other names: short protein forms C201fs.
Identifiers: ClinVar variation 1452630 (VCV001452630.6), dbSNP rs2104828670, ClinGen allele CA2573135880.